The following is an entry in ClinVar:

ClinVar aggregate classification (germline): Uncertain significance. Review status: criteria provided, multiple submitters, no conflicts (2 of 4 stars). 2 submissions from 2 submitters: Uncertain significance (2). Last evaluated 2025-08-25.

Conditions:
Congenital neutropenia-myelofibrosis-nephromegaly syndrome. Also called: Severe congenital neutropenia 5, autosomal recessive. Identifiers: Orphanet 369852, MedGen C3809031, MONDO:0014118, OMIM 615285.
Inborn genetic diseases. Identifiers: MedGen C0950123, MeSH D030342.

Submissions (2):

Ambry Genetics
Classification: Uncertain significance for Inborn genetic diseases. Last evaluated: 2025-08-25. Review status: criteria provided, single submitter. Criteria: Ambry Variant Classification Scheme 2023. Collection method: clinical testing. Allele origin: germline.

Labcorp Genetics (formerly Invitae), Labcorp
Classification: Uncertain significance for Congenital neutropenia-myelofibrosis-nephromegaly syndrome. Last evaluated: 2022-01-13. Review status: criteria provided, single submitter. Criteria: Invitae Variant Classification Sherloc (09022015). Collection method: clinical testing. Allele origin: germline.
Comment: This variant is not present in population databases (gnomAD no frequency). This sequence change replaces lysine, which is basic and polar, with asparagine, which is neutral and polar, at codon 104 of the VPS45 protein (p.Lys104Asn). This variant has not been reported in the literature in individuals affected with VPS45-related conditions. Algorithms developed to predict the effect of missense changes on protein structure and function are either unavailable or do not agree on the potential impact of this missense change (SIFT: "Deleterious"; PolyPhen-2: "Benign"; Align-GVGD: "Class C35"). In summary, the available evidence is currently insufficient to determine the role of this variant in disease. Therefore, it has been classified as a Variant of Uncertain Significance.

NM_007259.5(VPS45):c.312G>C (p.Lys104Asn)

Gene: VPS45 (vacuolar protein sorting 45 homolog; plus strand). Cytogenetic location: 1q21.2.
Variant type: single nucleotide variant.
Coding change: c.312G>C on transcript NM_007259.5 (MANE Select); coding-DNA position 312, G replaced by C.
Protein change: p.Lys104Asn; replaces lysine 104 with asparagine.
Molecular consequence: missense variant. On other transcripts: non-coding transcript variant (1).
Genome position (GRCh38, 1-based): chr1:150,076,255, G>C. VCF-style: chr1-150076255-G-C. GRCh37 (hg19) VCF-style: chr1-150048333-G-C.
Other names: c.312G>C (NM_007259.3); c.204G>C, p.Lys68Asn (NM_001279353.2, NM_001279354.2); short protein forms K104N, K68N.
Identifiers: ClinVar variation 1387412 (VCV001387412.7), dbSNP rs947757508, ClinGen allele CA30019616.